The following is an entry in ClinVar:

NM_000051.4(ATM):c.7591A>T (p.Met2531Leu)

Genes: ATM (ATM serine/threonine kinase; plus strand), C11orf65 (chromosome 11 open reading frame 65; minus strand). Cytogenetic location: 11q22.3.
Variant type: single nucleotide variant.
Coding change: c.7591A>T on transcript NM_000051.4 (MANE Select); coding-DNA position 7591, A replaced by T.
Protein change: p.Met2531Leu; replaces methionine 2531 with leucine.
Molecular consequence: missense variant. On other transcripts: non-coding transcript variant (1), intron variant (2).
Genome position (GRCh38, 1-based): chr11:108,331,519, A>T. VCF-style: chr11-108331519-A-T. GRCh37 (hg19) VCF-style: chr11-108202246-A-T.
Other names: c.7591A>T, p.Met2531Leu (NM_001351834.2); c.641-22448T>A (NM_001330368.2); c.*38+3701T>A (NM_001351110.2); short protein forms M2531L.
Identifiers: ClinVar variation 3966490 (VCV003966490.1).
Genomic context (GRCh38, chr11:108,331,519, plus strand): 5'-ATTCCAACATATAAATTTTTGCCTCTTATGTACCAATTGGCTGCTAGAATGGGGACCAAG[A>T]TGATGGGAGGCCTAGGATTTCATGAAGTCCTCAATAATGTAAGTAAACCTGAAAATCAAA-3'
Protein context (NP_000042.3, residues 2521-2541): YQLAARMGTK[Met2531Leu]MGGLGFHEVL

ClinVar aggregate classification (germline): Uncertain significance (1 of 4 stars; one submission).

Conditions:
Hereditary cancer-predisposing syndrome. Also called: Neoplastic Syndromes, Hereditary; Tumor predisposition; Hereditary Cancer Syndrome; Hereditary neoplastic syndrome. Identifiers: Orphanet 140162, MedGen C0027672, MeSH D009386, MONDO:0015356.

Submission:

Ambry Genetics
Classification: Uncertain significance for Hereditary cancer-predisposing syndrome. Last evaluated: 2025-04-12. Review status: criteria provided, single submitter. Criteria: Ambry Variant Classification Scheme 2023. Collection method: clinical testing. Allele origin: germline.
Comment: The p.M2531L variant (also known as c.7591A>T), located in coding exon 50 of the ATM gene, results from an A to T substitution at nucleotide position 7591. The methionine at codon 2531 is replaced by leucine, an amino acid with highly similar properties. This amino acid position is conserved. In addition, the in silico prediction for this alteration is inconclusive. Based on the available evidence, the clinical significance of this variant remains unclear.